The following is an entry in ClinVar:

ClinVar aggregate classification (germline): Uncertain significance (1 of 4 stars; one submission).

Submission:

GeneDx
Classification: Uncertain significance. Last evaluated: 2022-01-28. Review status: criteria provided, single submitter. Criteria: GeneDx Variant Classification Process June 2021. Collection method: clinical testing. Allele origin: germline. Affected: yes.
Comment: Not observed at significant frequency in large population cohorts (gnomAD); In silico analysis supports that this missense variant has a deleterious effect on protein structure/function; Has not been previously published as pathogenic or benign to our knowledge

NM_004999.4(MYO6):c.1295T>C (p.Phe432Ser)

Gene: MYO6 (myosin VI; plus strand). Cytogenetic location: 6q14.1.
Variant type: single nucleotide variant.
Coding change: c.1295T>C on transcript NM_004999.4 (MANE Select); coding-DNA position 1295, T replaced by C.
Protein change: p.Phe432Ser; replaces phenylalanine 432 with serine.
Molecular consequence: missense variant. On other transcripts: non-coding transcript variant (1).
Genome position (GRCh38, 1-based): chr6:75,857,168, T>C. VCF-style: chr6-75857168-T-C. GRCh37 (hg19) VCF-style: chr6-76566885-T-C.
Other names: c.1295T>C, p.Phe432Ser (NM_001300899.2, NM_001368136.1, NM_001368137.1 and 2 more transcripts); c.1280T>C, p.Phe427Ser (NM_001368138.1); short protein forms F427S, F432S.
Identifiers: ClinVar variation 1699610 (VCV001699610.2), dbSNP rs2149283139, ClinGen allele CA364759692.